The following is an entry in ClinVar:

NM_001278116.2(L1CAM):c.523+16C>T

Gene: L1CAM (L1 cell adhesion molecule; minus strand). Cytogenetic location: Xq28.
Variant type: single nucleotide variant.
Coding change: c.523+16C>T on transcript NM_001278116.2 (MANE Select); 16 bases into the intron after coding-DNA position 523, C replaced by T.
Molecular consequence: intron variant.
Genome position (GRCh38, 1-based): chrX:153,871,041, G>A on the plus strand (C>T on the coding strand, the complement: L1CAM is on the minus strand). VCF-style: chrX-153871041-G-A. GRCh37 (hg19) VCF-style: chrX-153136496-G-A.
Other names: c.508+16C>T (NM_001143963.2); c.523+16C>T (NM_024003.3, NM_000425.5).
Identifiers: ClinVar variation 388564 (VCV000388564.4), dbSNP rs1057523154, ClinGen allele CA16608781.

ClinVar aggregate classification (germline): Likely benign. Review status: criteria provided, multiple submitters, no conflicts (2 of 4 stars). 2 submissions from 2 submitters: Likely benign (2). Last evaluated 2025-09-24.

Conditions:
Spastic paraplegia. Identifiers: MedGen C0037772, HP:0001258.

gnomAD v4.1: 1 of 1,211,091 alleles (0.000083%); no homozygotes.

Submissions (2):

Labcorp Genetics (formerly Invitae), Labcorp
Classification: Likely benign for Spastic paraplegia. Last evaluated: 2025-09-24. Review status: criteria provided, single submitter. Criteria: Invitae Variant Classification Sherloc (09022015). Collection method: clinical testing. Allele origin: germline.

GeneDx
Classification: Likely benign. Last evaluated: 2016-08-10. Review status: criteria provided, single submitter. Criteria: GeneDx Variant Classification (06012015). Collection method: clinical testing. Allele origin: germline. Affected: yes.
Comment: This variant is considered likely benign or benign based on one or more of the following criteria: it is a conservative change, it occurs at a poorly conserved position in the protein, it is predicted to be benign by multiple in silico algorithms, and/or has population frequency not consistent with disease.